The following is an entry in ClinVar:

ClinVar aggregate classification (germline): Likely benign. Review status: criteria provided, single submitter (1 of 4 stars). 2 submissions from 2 submitters: Likely benign (1). 1 of the submissions does not count toward it. Last evaluated 2023-09-22.

Conditions:
Inborn genetic diseases. Identifiers: MedGen C0950123, MeSH D030342.
IFT140-related disorder. Also called: IFT140-related condition.

Allele frequency attached by ClinVar (database versions not stated): TOPMed below 0.00001; gnomAD exomes 0.00001.
gnomAD v4.1: 6 of 1,614,058 alleles (0.00037%); highest among the groups gnomAD compares: East Asian, 0.0045%; no homozygotes.

Submissions (2):

Ambry Genetics
Classification: Likely benign for Inborn genetic diseases. Last evaluated: 2023-09-22. Review status: criteria provided, single submitter. Criteria: Ambry Variant Classification Scheme 2023. Collection method: clinical testing. Allele origin: germline.

PreventionGenetics, part of Exact Sciences
Classification: Uncertain significance for IFT140-related condition. Last evaluated: 2024-09-18. Review status: no assertion criteria provided. Collection method: clinical testing. Allele origin: germline. Not counted in ClinVar's aggregate classification.
Comment: The IFT140 c.4069A>G variant is predicted to result in the amino acid substitution p.Ile1357Val. To our knowledge, this variant has not been reported in the literature. This variant is reported in 0.0018% of alleles in individuals of European (Non-Finnish) descent in gnomAD. At this time, the clinical significance of this variant is uncertain due to the absence of conclusive functional and genetic evidence.

NM_014714.4(IFT140):c.4069A>G (p.Ile1357Val)

Gene: IFT140 (intraflagellar transport 140; minus strand). Cytogenetic location: 16p13.3.
Variant type: single nucleotide variant.
Coding change: c.4069A>G on transcript NM_014714.4 (MANE Select); coding-DNA position 4069, A replaced by G.
Protein change: p.Ile1357Val; replaces isoleucine 1357 with valine.
Molecular consequence: missense variant.
Genome position (GRCh38, 1-based): chr16:1,518,329, T>C on the plus strand (A>G on the coding strand, the complement: IFT140 is on the minus strand). VCF-style: chr16-1518329-T-C. GRCh37 (hg19) VCF-style: chr16-1568330-T-C.
Other names: short protein forms I1357V.
Identifiers: ClinVar variation 3108373 (VCV003108373.2), dbSNP rs1435431625, ClinGen allele CA394223785.